The following is an entry in ClinVar:

ClinVar aggregate classification (germline): Pathogenic (0 of 4 stars; one submission).

Conditions:
Fanconi anemia complementation group J. Also called: BRIP1-Related Fanconi Anemia. Identifiers: Orphanet 84, MedGen C1836860, MONDO:0012187, OMIM 609054.

Submission:

Leiden Open Variation Database
Classification: Pathogenic for Fanconi anemia complementation group J. Last evaluated: 2011-02-07. Review status: no assertion criteria provided. Collection method: curation. Allele origin: germline. Affected: yes.
Comment: Curator: Arleen D. Auerbach. Submitter to LOVD: Arleen D. Auerbach.

Literature cited by the submitters: PubMed 16116423.

NM_032043.3(BRIP1):c.765G>T (p.Gln255His)

Gene: BRIP1 (BRCA1 interacting DNA helicase 1; minus strand). Cytogenetic location: 17q23.2.
Variant type: single nucleotide variant.
Coding change: c.765G>T on transcript NM_032043.3 (MANE Select); coding-DNA position 765, G replaced by T.
Protein change: p.Gln255His; replaces glutamine 255 with histidine.
Molecular consequence: missense variant.
Genome position (GRCh38, 1-based): chr17:61,808,620, C>A on the plus strand (G>T on the coding strand, the complement: BRIP1 is on the minus strand). VCF-style: chr17-61808620-C-A. GRCh37 (hg19) VCF-style: chr17-59885981-C-A.
Other names: short protein forms Q255H.
Identifiers: ClinVar variation 929523 (VCV000929523.1), dbSNP rs2078111971, ClinGen allele CA400484955.
Genomic context (GRCh38, chr17:61,808,620, plus strand): 5'-AATAGTCATTGGAACCCCTGAATATGCCGTCCTCCGGAGCTCTCTAGTAATCTGAGCAAT[C>A]TGCTTGTGTGTGCGTGTCCCAAAATATATTTTGGGTATCTTGGATTTCCCTGTATGATCC-3'
Protein context (NP_114432.2, residues 245-265): KIYFGTRTHK[Gln255His]IAQITRELRR